The following is an entry in ClinVar:

ClinVar aggregate classification (germline): Likely benign (1 of 4 stars; one submission).

gnomAD v4.1: 22 of 1,611,540 alleles (0.0014%); highest among the groups gnomAD compares: Non-Finnish European, 0.0018%; no homozygotes.

Submission:

CeGaT Center for Human Genetics Tuebingen
Classification: Likely benign. Last evaluated: 2024-12-01. Review status: criteria provided, single submitter. Criteria: CeGaT Center For Human Genetics Tuebingen Variant Classification Criteria Version 2. Collection method: clinical testing. Allele origin: germline. Affected: yes. Observed: 1 variant allele.
Comment: TOGARAM1: BP4, BP7

NM_001308120.2(TOGARAM1):c.4458A>G (p.Pro1486=)

Gene: TOGARAM1 (TOG array regulator of axonemal microtubules 1; plus strand). Cytogenetic location: 14q21.2.
Variant type: single nucleotide variant.
Coding change: c.4458A>G on transcript NM_001308120.2 (MANE Select); coding-DNA position 4458, A replaced by G.
Protein change: p.Pro1486=; no amino-acid change (proline 1486 retained).
Molecular consequence: synonymous variant. On other transcripts: non-coding transcript variant (1).
Genome position (GRCh38, 1-based): chr14:45,054,448, A>G. VCF-style: chr14-45054448-A-G. GRCh37 (hg19) VCF-style: chr14-45523651-A-G.
Other names: c.4299A>G, p.Pro1433= (NM_015091.4).
Identifiers: ClinVar variation 3770916 (VCV003770916.13).